The following is an entry in ClinVar:

NM_182919.4(TICAM1):c.1628A>T (p.Glu543Val)

Gene: TICAM1 (TIR domain containing adaptor molecule 1; minus strand). Cytogenetic location: 19p13.3.
Variant type: single nucleotide variant.
Coding change: c.1628A>T on transcript NM_182919.4 (MANE Select); coding-DNA position 1628, A replaced by T.
Protein change: p.Glu543Val; replaces glutamic acid 543 with valine.
Molecular consequence: missense variant.
Genome position (GRCh38, 1-based): chr19:4,816,750, T>A on the plus strand (A>T on the coding strand, the complement: TICAM1 is on the minus strand). VCF-style: chr19-4816750-T-A. GRCh37 (hg19) VCF-style: chr19-4816762-T-A.
Other names: c.1628A>T (NM_182919.2); short protein forms E543V.
Identifiers: ClinVar variation 851825 (VCV000851825.7), dbSNP rs373671679, ClinGen allele CA9105096.
Genomic context (GRCh38, chr19:4,816,750, plus strand): 5'-GCCTGCATCCGCTCACCGTCCAGGTGTTGGCTCTGTTCCCGCAGGGCTCGGGTGTCCTGT[T>A]CCTTCCTCCACATGGCCTTTCGGGCCTGAAGCCTGTGGGGCTTGAAGGTGTTGGCCACCT-3'
Protein context (NP_891549.1, residues 533-553): LQARKAMWRK[Glu543Val]QDTRALREQS

ClinVar aggregate classification (germline): Uncertain significance. Review status: criteria provided, multiple submitters, no conflicts (2 of 4 stars). 2 submissions from 2 submitters: Uncertain significance (2). Last evaluated 2025-10-22.

Conditions:
Encephalopathy, acute, infection-induced (herpes-specific), susceptibility to, 6. Also called: Herpes simplex encephalitis, susceptibility to, 4. Identifiers: Orphanet 1930, MedGen C3553869, MONDO:0013921, OMIM 614850.

Allele frequency attached by ClinVar (database versions not stated): gnomAD 0.00003 and 0.00004; ExAC 0.00004; gnomAD exomes 0.00004; TOPMed 0.00006; ESP Exome Variant Server 0.00023.
gnomAD v4.1: 14 of 1,613,638 alleles (0.00087%); highest among the groups gnomAD compares: African/African-American, 0.011%; no homozygotes.

Submissions (2):

Ambry Genetics
Classification: Uncertain significance. Last evaluated: 2025-10-22. Review status: criteria provided, single submitter. Criteria: Ambry Variant Classification Scheme 2023. Collection method: clinical testing. Allele origin: germline.

Labcorp Genetics (formerly Invitae), Labcorp
Classification: Uncertain significance for Encephalopathy, acute, infection-induced (herpes-specific), susceptibility to, 6. Last evaluated: 2022-06-04. Review status: criteria provided, single submitter. Criteria: Invitae Variant Classification Sherloc (09022015). Collection method: clinical testing. Allele origin: germline.
Comment: This sequence change replaces glutamic acid, which is acidic and polar, with valine, which is neutral and non-polar, at codon 543 of the TICAM1 protein (p.Glu543Val). This variant is present in population databases (rs373671679, gnomAD 0.03%). This variant has not been reported in the literature in individuals affected with TICAM1-related conditions. ClinVar contains an entry for this variant (Variation ID: 851825). Algorithms developed to predict the effect of missense changes on protein structure and function are either unavailable or do not agree on the potential impact of this missense change (SIFT: "Tolerated"; PolyPhen-2: "Possibly Damaging"; Align-GVGD: "Class C0"). In summary, the available evidence is currently insufficient to determine the role of this variant in disease. Therefore, it has been classified as a Variant of Uncertain Significance. Algorithms developed to predict the effect of sequence changes on RNA splicing suggest that this variant may create or strengthen a splice site.